The following is an entry in ClinVar:

ClinVar aggregate classification (germline): Uncertain significance (1 of 4 stars; one submission).

Submission:

Labcorp Genetics (formerly Invitae), Labcorp
Classification: Uncertain significance. Last evaluated: 2021-12-02. Review status: criteria provided, single submitter. Criteria: Invitae Variant Classification Sherloc (09022015). Collection method: clinical testing. Allele origin: germline.
Comment: This variant results in a copy number gain of the genomic region encompassing exon(s) 1-3 of the LAMA1 gene. This region includes the initiator codon of the gene. This copy number gain extends beyond the assayed region for this gene and therefore may encompass additional genes. As the precise location of this event is unknown, it may be in tandem or it may be located elsewhere in the genome. This variant has not been reported in the literature in individuals affected with LAMA1-related conditions. Experimental studies and prediction algorithms are not available or were not evaluated, and the functional significance of this variant is currently unknown. In summary, the available evidence is currently insufficient to determine the role of this variant in disease. Therefore, it has been classified as a Variant of Uncertain Significance.

NC_000018.9:g.(?_7079954)_(7117719_?)dup

Gene: LAMA1 (laminin subunit alpha 1; minus strand). Cytogenetic location: 18p11.31-11.23.
Variant type: Duplication.
Identifiers: ClinVar variation 1440429 (VCV001440429.3).